The following is an entry in ClinVar:

NM_014284.3(NCDN):c.419G>C (p.Arg140Pro)

Gene: NCDN (neurochondrin; plus strand). Cytogenetic location: 1p34.3.
Variant type: single nucleotide variant.
Coding change: c.419G>C on transcript NM_014284.3 (MANE Select); coding-DNA position 419, G replaced by C.
Protein change: p.Arg140Pro; replaces arginine 140 with proline.
Molecular consequence: missense variant.
Genome position (GRCh38, 1-based): chr1:35,560,570, G>C. VCF-style: chr1-35560570-G-C. GRCh37 (hg19) VCF-style: chr1-36026171-G-C.
Other names: c.419G>C, p.Arg140Pro (NM_001014839.2); c.368G>C, p.Arg123Pro (NM_001014841.2); short protein forms R123P, R140P.
Identifiers: ClinVar variation 2849293 (VCV002849293.3), dbSNP rs200578072, ClinGen allele CA760109.

ClinVar aggregate classification (germline): Uncertain significance (1 of 4 stars; one submission).

gnomAD v4.1: 10 of 1,613,204 alleles (0.00062%); highest among the groups gnomAD compares: South Asian, 0.0044%; no homozygotes.

Submission:

Labcorp Genetics (formerly Invitae), Labcorp
Classification: Uncertain significance. Last evaluated: 2023-03-25. Review status: criteria provided, single submitter. Criteria: Invitae Variant Classification Sherloc (09022015). Collection method: clinical testing. Allele origin: germline.
Comment: This sequence change replaces arginine, which is basic and polar, with proline, which is neutral and non-polar, at codon 140 of the NCDN protein (p.Arg140Pro). This variant is present in population databases (rs200578072, gnomAD 0.003%). This variant has not been reported in the literature in individuals affected with NCDN-related conditions. An algorithm developed to predict the effect of missense changes on protein structure and function (PolyPhen-2) suggests that this variant is likely to be tolerated. In summary, the available evidence is currently insufficient to determine the role of this variant in disease. Therefore, it has been classified as a Variant of Uncertain Significance.